The following is an entry in ClinVar:

NM_001365276.2(TNXB):c.7934del (p.Ser2645fs)

Gene: TNXB (tenascin XB; minus strand). Cytogenetic location: 6p21.33.
Variant type: Deletion.
Coding change: c.7934del on transcript NM_001365276.2 (MANE Select); coding-DNA position 7934, one base deleted (G; older notation c.7934delG).
Protein change: p.Ser2645fs; shifts the reading frame from serine 2645.
Molecular consequence: frameshift variant.
Genome position (GRCh38, 1-based): chr6:32,056,795, C deleted on the plus strand (G on the coding strand, the reverse complement: TNXB is on the minus strand). VCF-style (leftmost placement, unchanged base first): chr6-32056794-GC-G. GRCh37 (hg19) VCF-style: chr6-32024571-GC-G.
Other names: c.8675del, p.Ser2892fs (NM_001428335.1); c.7934del, p.Ser2645fs (NM_019105.8); short protein forms S2645fs, S2892fs.
Identifiers: ClinVar variation 5016003 (VCV005016003.1).

ClinVar aggregate classification (germline): Pathogenic (1 of 4 stars; one submission).

Conditions:
Ehlers-Danlos syndrome due to tenascin-X deficiency (EDSCLL1). Also called: EDS DUE TO TNX DEFICIENCY; TNX DEFICIENCY; Ehlers-Danlos syndrome, classic-like, 1; EHLERS-DANLOS SYNDROME, CLASSIC-LIKE; TNXB-Related Classical-Like Ehlers-Danlos Syndrome. Identifiers: Orphanet 230839, MedGen C1848029, MONDO:0011670, OMIM 606408.

Submission:

Myriad Genetics, Inc.
Classification: Pathogenic for Ehlers-Danlos syndrome due to tenascin-X deficiency. Last evaluated: 2026-06-07. Review status: criteria provided, single submitter. Criteria: Myriad Autosomal Dominant, Autosomal Recessive and X-Linked Classification Criteria (2023). Collection method: clinical testing. Allele origin: unknown.
Comment: NM_019105.6(TNXB):c.7934delG(S2645Tfs*50) is expected to be pathogenic in the context of classical-like Ehlers-Danlos syndrome, TNXB-related. This variant is predicted to lead to an abnormal or absent protein product due to the creation of a premature termination codon in TNXB, a gene where loss-of-function variants are known to be pathogenic. Please note: this variant was assessed in the context of healthy population screening.